The following is an entry in ClinVar:

ClinVar aggregate classification (germline): Uncertain significance (1 of 4 stars; one submission).

Submission:

Labcorp Genetics (formerly Invitae), Labcorp
Classification: Uncertain significance. Last evaluated: 2025-10-21. Review status: criteria provided, single submitter. Criteria: Invitae Variant Classification Sherloc (09022015). Collection method: clinical testing. Allele origin: germline.
Comment: This sequence change replaces proline, which is neutral and non-polar, with alanine, which is neutral and non-polar, at codon 258 of the PODXL protein (p.Pro258Ala). This variant is not present in population databases (gnomAD no frequency). This variant has not been reported in the literature in individuals affected with PODXL-related conditions. An algorithm developed to predict the effect of missense changes on protein structure and function outputs the following: PolyPhen-2: "Benign". The alanine amino acid residue is found in multiple mammalian species, which suggests that this missense change does not adversely affect protein function. In summary, the available evidence is currently insufficient to determine the role of this variant in disease. Therefore, it has been classified as a Variant of Uncertain Significance.

NM_001018111.3(PODXL):c.868C>G (p.Pro290Ala)

Gene: PODXL (podocalyxin like; minus strand). Cytogenetic location: 7q32.3.
Variant type: single nucleotide variant.
Coding change: c.868C>G on transcript NM_001018111.3 (MANE Select); coding-DNA position 868, C replaced by G.
Protein change: p.Pro290Ala; replaces proline 290 with alanine.
Molecular consequence: missense variant.
Genome position (GRCh38, 1-based): chr7:131,509,520, G>C on the plus strand (C>G on the coding strand, the complement: PODXL is on the minus strand). VCF-style: chr7-131509520-G-C. GRCh37 (hg19) VCF-style: chr7-131194279-G-C.
Other names: c.772C>G, p.Pro258Ala (NM_005397.4); short protein forms P258A, P290A.
Identifiers: ClinVar variation 4775483 (VCV004775483.1).